The following is an entry in ClinVar:

ClinVar aggregate classification (germline): Uncertain significance (1 of 4 stars; one submission).

Allele frequency attached by ClinVar (database versions not stated): ExAC 0.00003; gnomAD exomes 0.00003 and 0.00005; gnomAD 0.00004; TOPMed 0.00005; ESP Exome Variant Server 0.00015.
gnomAD v4.1: 81 of 1,604,350 alleles (0.005%); highest among the groups gnomAD compares: Non-Finnish European, 0.0064%; no homozygotes.

Submission:

Labcorp Genetics (formerly Invitae), Labcorp
Classification: Uncertain significance. Last evaluated: 2025-09-02. Review status: criteria provided, single submitter. Criteria: Invitae Variant Classification Sherloc (09022015). Collection method: clinical testing. Allele origin: germline.
Comment: This sequence change replaces serine, which is neutral and polar, with asparagine, which is neutral and polar, at codon 458 of the CCT2 protein (p.Ser458Asn). This variant is present in population databases (rs146372909, gnomAD 0.006%). This variant has not been reported in the literature in individuals affected with CCT2-related conditions. ClinVar contains an entry for this variant (Variation ID: 840493). An algorithm developed to predict the effect of missense changes on protein structure and function (PolyPhen-2) suggests that this variant is likely to be disruptive. In summary, the available evidence is currently insufficient to determine the role of this variant in disease. Therefore, it has been classified as a Variant of Uncertain Significance.

NM_006431.3(CCT2):c.1373G>A (p.Ser458Asn)

Gene: CCT2 (chaperonin containing TCP1 subunit 2; plus strand). Cytogenetic location: 12q15.
Variant type: single nucleotide variant.
Coding change: c.1373G>A on transcript NM_006431.3 (MANE Select); coding-DNA position 1373, G replaced by A.
Protein change: p.Ser458Asn; replaces serine 458 with asparagine.
Molecular consequence: missense variant.
Genome position (GRCh38, 1-based): chr12:69,598,359, G>A. VCF-style: chr12-69598359-G-A. GRCh37 (hg19) VCF-style: chr12-69992139-G-A.
Other names: c.1232G>A, p.Ser411Asn (NM_001198842.2); short protein forms S458N, S411N.
Identifiers: ClinVar variation 840493 (VCV000840493.9), dbSNP rs146372909, ClinGen allele CA6680853.